The following is an entry in ClinVar:

ClinVar aggregate classification (germline): Conflicting classifications of pathogenicity. Review status: criteria provided, conflicting classifications (1 of 4 stars). 3 submissions from 3 submitters: Uncertain significance (2); Likely benign (1). Last evaluated 2024-08-12.

Conditions:
MHC class I deficiency. Identifiers: Orphanet 34592, MedGen C6024714, MONDO:0011476.
MHC class I deficiency 1 (MHC1D1). Also called: HLA CLASS I DEFICIENCY, 1; BARE LYMPHOCYTE SYNDROME, TYPE I; BLS, TYPE I. Identifiers: MedGen C1858266, MONDO:0971006, OMIM 604571.
Inborn genetic diseases. Identifiers: MedGen C0950123, MeSH D030342.

Allele frequency attached by ClinVar (database versions not stated): gnomAD 0.00003 and 0.00004; gnomAD exomes 0.00003 and 0.00006; TOPMed 0.00003.

Submissions (3):

Ambry Genetics
Classification: Uncertain significance for Inborn genetic diseases. Last evaluated: 2024-08-12. Review status: criteria provided, single submitter. Criteria: Ambry Variant Classification Scheme 2023. Collection method: clinical testing. Allele origin: germline.

Blueprint Genetics
Classification: Likely benign. Last evaluated: 2023-07-20. Review status: criteria provided, single submitter. Criteria: ACMG Guidelines, 2015. Collection method: clinical testing. Allele origin: germline.

Labcorp Genetics (formerly Invitae), Labcorp
Classification: Uncertain significance for MHC class I deficiency 1. Last evaluated: 2022-02-28. Review status: criteria provided, single submitter. Criteria: Invitae Variant Classification Sherloc (09022015). Collection method: clinical testing. Allele origin: germline.
Comment: This sequence change replaces alanine, which is neutral and non-polar, with valine, which is neutral and non-polar, at codon 155 of the TAP1 protein (p.Ala155Val). This variant is present in population databases (no rsID available, gnomAD 0.006%). This variant has not been reported in the literature in individuals affected with TAP1-related conditions. Algorithms developed to predict the effect of missense changes on protein structure and function output the following: SIFT: "Tolerated"; PolyPhen-2: "Benign"; Align-GVGD: "Class C0". The valine amino acid residue is found in multiple mammalian species, which suggests that this missense change does not adversely affect protein function. In summary, the available evidence is currently insufficient to determine the role of this variant in disease. Therefore, it has been classified as a Variant of Uncertain Significance.

NM_000593.6(TAP1):c.284C>T (p.Ala95Val)

Gene: TAP1 (transporter 1, ATP binding cassette subfamily B member; minus strand). Cytogenetic location: 6p21.32.
Variant type: single nucleotide variant.
Coding change: c.284C>T on transcript NM_000593.6 (MANE Select); coding-DNA position 284, C replaced by T.
Protein change: p.Ala95Val; replaces alanine 95 with valine.
Molecular consequence: missense variant.
Genome position (GRCh38, 1-based): chr6:32,853,353, G>A on the plus strand (C>T on the coding strand, the complement: TAP1 is on the minus strand). VCF-style: chr6-32853353-G-A. GRCh37 (hg19) VCF-style: chr6-32821130-G-A.
Other names: c.464C>T (NM_000593.5); short protein forms A95V.
Identifiers: ClinVar variation 1525487 (VCV001525487.9), dbSNP rs1383030445, ClinGen allele CA363582635.